The following is an entry in ClinVar:

ClinVar aggregate classification (germline): Uncertain significance. Review status: criteria provided, multiple submitters, no conflicts (2 of 4 stars). 2 submissions from 2 submitters: Uncertain significance (2). Last evaluated 2024-12-03.

Conditions:
Hereditary cancer-predisposing syndrome. Also called: Tumor predisposition; Hereditary neoplastic syndrome; Hereditary Cancer Syndrome; Neoplastic Syndromes, Hereditary. Identifiers: Orphanet 140162, MedGen C0027672, MeSH D009386, MONDO:0015356.
Hereditary breast ovarian cancer syndrome. Also called: Hereditary breast and/or ovarian cancer syndrome; Breast and ovarian cancer; Hereditary breast and ovarian cancer syndrome; Hereditary breast and ovarian cancer; Hereditary breast and ovarian cancer syndrome (HBOC); BRCA1- and BRCA2-Associated Hereditary Breast and Ovarian Cancer. Identifiers: Orphanet 145, MedGen C0677776, MeSH D061325, MONDO:0003582. Disease mechanism: loss of function.

Submissions (3):

Ambry Genetics
Classification: Uncertain significance for Hereditary cancer-predisposing syndrome. Last evaluated: 2024-12-03. Review status: criteria provided, single submitter. Criteria: Ambry Variant Classification Scheme 2023. Collection method: clinical testing. Allele origin: germline.
Comment: The p.V1833A variant (also known as c.5498T>C), located in coding exon 22 of the BRCA1 gene, results from a T to C substitution at nucleotide position 5498. The valine at codon 1833 is replaced by alanine, an amino acid with similar properties. One functional study found that this nucleotide substitution is functional in a high throughput genome editing haploid cell survival assay (Findlay GM et al. Nature, 2018 10;562:217-222). This variant was also functional in a homology directed repair and cisplatin resistance protein functional assay (Adamovich AI et al. Am J Hum Genet, 2022 Apr;109:618-630). This amino acid position is highly conserved in available vertebrate species. In addition, this alteration is predicted to be deleterious by in silico analysis. Based on the available evidence, the clinical significance of this variant remains unclear.

Labcorp Genetics (formerly Invitae), Labcorp
Classification: Uncertain significance for Hereditary breast ovarian cancer syndrome. Last evaluated: 2024-05-06. Review status: criteria provided, single submitter. Criteria: Invitae Variant Classification Sherloc (09022015). Collection method: clinical testing. Allele origin: germline.
Comment: This sequence change replaces valine, which is neutral and non-polar, with alanine, which is neutral and non-polar, at codon 1833 of the BRCA1 protein (p.Val1833Ala). This variant is not present in population databases (gnomAD no frequency). This variant has not been reported in the literature in individuals affected with BRCA1-related conditions. ClinVar contains an entry for this variant (Variation ID: 142256). Advanced modeling of protein sequence and biophysical properties (such as structural, functional, and spatial information, amino acid conservation, physicochemical variation, residue mobility, and thermodynamic stability) performed at Invitae indicates that this missense variant is expected to disrupt BRCA1 protein function with a positive predictive value of 95%. Experimental studies have shown that this missense change does not substantially affect BRCA1 function (PMID: 30209399). This variant disrupts the p.Val1833 amino acid residue in BRCA1. Other variant(s) that disrupt this residue have been determined to be pathogenic (PMID: 15004537, 18992264, 20378548, 20526115, 28781887, 30209399). This suggests that this residue is clinically significant, and that variants that disrupt this residue are likely to be disease-causing. In summary, the available evidence is currently insufficient to determine the role of this variant in disease. Therefore, it has been classified as a Variant of Uncertain Significance.

Brotman Baty Institute, University of Washington
No classification provided (evidence only). Condition: Breast-ovarian cancer, familial 1. Review status: no classification provided. Collection method: in vitro. Allele origin: not applicable. Functional consequence: functionally_normal. Not counted in ClinVar's aggregate classification.
ClinVar note: "not provided" was previously submitted as the classification for the variant. However, the classification appeared to be based only on an observation of functional data so it was converted to no classification on 2025-07-30.

Literature cited by the submitters: PubMed 30209399 (cited by Ambry Genetics and Labcorp Genetics (formerly Invitae), Labcorp); PubMed 35196514 (cited by Ambry Genetics); PubMed 15004537 (cited by Labcorp Genetics (formerly Invitae), Labcorp); PubMed 18992264 (cited by Labcorp Genetics (formerly Invitae), Labcorp); PubMed 20378548 (cited by Labcorp Genetics (formerly Invitae), Labcorp); PubMed 20526115 (cited by Labcorp Genetics (formerly Invitae), Labcorp); PubMed 28781887 (cited by Labcorp Genetics (formerly Invitae), Labcorp).

NM_007294.4(BRCA1):c.5498T>C (p.Val1833Ala)

Gene: BRCA1 (BRCA1 DNA repair associated; minus strand). Cytogenetic location: 17q21.31.
Variant type: single nucleotide variant.
Coding change: c.5498T>C on transcript NM_007294.4 (MANE Select); coding-DNA position 5498, T replaced by C.
Protein change: p.Val1833Ala; replaces valine 1833 with alanine.
Molecular consequence: missense variant. On other transcripts: 3 prime UTR variant (1), non-coding transcript variant (1).
Genome position (GRCh38, 1-based): chr17:43,045,772, A>G on the plus strand (T>C on the coding strand, the complement: BRCA1 is on the minus strand). VCF-style: chr17-43045772-A-G. GRCh37 (hg19) VCF-style: chr17-41197789-A-G.
Other names: c.5558T>C, p.Val1853Ala (NM_001407591.1, NM_001407590.1); c.5498T>C, p.Val1833Ala (NM_001407593.1, NM_001407594.1, NM_001407596.1 and 5 more transcripts); c.5495T>C, p.Val1832Ala (NM_001407617.1, NM_001407618.1, NM_001407619.1 and 14 more transcripts); c.5492T>C, p.Val1831Ala (NM_001407636.1, NM_001407637.1, NM_001407638.1 and 13 more transcripts); c.5489T>C, p.Val1830Ala (NM_001407644.1, NM_001407645.1); c.5417T>C, p.Val1806Ala (NM_001407658.1, NM_001407656.1, NM_001407657.1); c.5414T>C, p.Val1805Ala (NM_001407659.1, NM_001407660.1, NM_001407661.1 and 2 more transcripts); c.5375T>C, p.Val1792Ala (NM_001407664.1, NM_001407665.1, NM_001407666.1 and 3 more transcripts); and 74 more; short protein forms V1833A, V1854A, V729A, V1786A, V1536A, V1537A, V1664A, V1706A.
Identifiers: ClinVar variation 142256 (VCV000142256.17), dbSNP rs587782340, ClinGen allele CA003670.
Genomic context (GRCh38, chr17:43,045,772, plus strand): 5'-TAGGTGTCCAGCTCCTGGCACTGGTAGAGTGCTACACTGTCCAACACCCACTCTCGGGTC[A>G]CCACAGGTGCCTCACACATCTGCCCAATTGCTGGAGACAGAGAACACAAGCAGAGATTAG-3'
Protein context (NP_009225.1, residues 1823-1843): AIGQMCEAPV[Val1833Ala]TREWVLDSVA